The following is an entry in ClinVar:

ClinVar aggregate classification (germline): Likely pathogenic (1 of 4 stars; one submission).

Conditions:
Neuronal ceroid lipofuscinosis 2. Also called: JANSKY-BIELSCHOWSKY DISEASE NEURONAL CEROID LIPOFUSCINOSIS, LATE INFANTILE; TPP1-Related Neuronal Ceroid-Lipofuscinosis. Identifiers: Orphanet 168491, Orphanet 228349, Orphanet 79264, MedGen C1876161, MONDO:0008769, OMIM 204500.

Submission:

Natera, Inc.
Classification: Likely pathogenic for Neuronal ceroid lipofuscinosis 2. Last evaluated: 2025-03-05. Review status: criteria provided, single submitter. Criteria: Natera Variant Classification Schema (03/2026). Collection method: clinical testing. Allele origin: germline.
Comment: The c.283_287delinsCACC variant in TPP1 is a frameshift variant predicted to shift the reading frame beginning at codon 95 and leads to a stop codon 20 codons downstream. This variant is expected to result in nonsense mediated decay, truncation, or a dysfunctional protein product. This variant is rare in the general population with a frequency below the threshold expected for the associated phenotype(s). Given the available evidence, this variant is classified as Likely Pathogenic.

NM_000391.4(TPP1):c.283_287delinsCACC (p.Thr95fs)

Gene: TPP1 (tripeptidyl peptidase 1; minus strand). Cytogenetic location: 11p15.4.
Variant type: Indel.
Coding change: c.283_287delinsCACC on transcript NM_000391.4 (MANE Select); coding-DNA positions 283 to 287, ACCCT replaced by CACC.
Protein change: p.Thr95fs; shifts the reading frame from threonine 95.
Molecular consequence: frameshift variant.
Genome position (GRCh38, 1-based): chr11:6,617,719-6,617,723, AGGGT replaced by GGTG on the plus strand (ACCCT replaced by CACC on the coding strand, the reverse complement: TPP1 is on the minus strand). VCF-style: chr11-6617719-AGGGT-GGTG. GRCh37 (hg19) VCF-style: chr11-6638950-AGGGT-GGTG.
Other names: short protein forms T95fs.
Identifiers: ClinVar variation 4818297 (VCV004818297.1).